The following is an entry in ClinVar:

ClinVar aggregate classification (germline): Likely benign. Review status: criteria provided, multiple submitters, no conflicts (2 of 4 stars). 3 submissions from 3 submitters: Likely benign (2). 1 of the submissions does not count toward it. Last evaluated 2025-06-11.

Conditions:
Luscan-Lumish syndrome. Identifiers: Orphanet 597738, MedGen C4085873, MONDO:0014791, OMIM 616831.
SETD2-related disorder.

Allele frequency attached by ClinVar (database versions not stated): gnomAD exomes below 0.00001; ExAC 0.00001; gnomAD 0.00002 and 0.00003; TOPMed 0.00003.
gnomAD v4.1: 28 of 1,614,154 alleles (0.0017%); highest among the groups gnomAD compares: Admixed American, 0.0083%; no homozygotes.

Submissions (3):

Labcorp Genetics (formerly Invitae), Labcorp
Classification: Likely benign for Luscan-Lumish syndrome. Last evaluated: 2025-06-11. Review status: criteria provided, single submitter. Criteria: Invitae Variant Classification Sherloc (09022015). Collection method: clinical testing. Allele origin: germline.

Blueprint Genetics
Classification: Likely benign. Last evaluated: 2024-11-25. Review status: criteria provided, single submitter. Criteria: ACMG Guidelines, 2015. Collection method: clinical testing. Allele origin: germline.

PreventionGenetics, part of Exact Sciences
Classification: Likely benign for SETD2-related condition. Last evaluated: 2023-07-11. Review status: no assertion criteria provided. Collection method: clinical testing. Allele origin: germline. Not counted in ClinVar's aggregate classification.
Comment: This variant is classified as likely benign based on ACMG/AMP sequence variant interpretation guidelines (Richards et al. 2015 PMID: 25741868, with internal and published modifications).

NM_014159.7(SETD2):c.2040A>G (p.Glu680=)

Gene: SETD2 (SET domain containing 2, histone lysine methyltransferase; minus strand). Cytogenetic location: 3p21.31.
Variant type: single nucleotide variant.
Coding change: c.2040A>G on transcript NM_014159.7 (MANE Select); coding-DNA position 2040, A replaced by G.
Protein change: p.Glu680=; no amino-acid change (glutamic acid 680 retained).
Molecular consequence: synonymous variant. On other transcripts: non-coding transcript variant (1).
Genome position (GRCh38, 1-based): chr3:47,122,596, T>C on the plus strand (A>G on the coding strand, the complement: SETD2 is on the minus strand). VCF-style: chr3-47122596-T-C. GRCh37 (hg19) VCF-style: chr3-47164086-T-C.
Other names: c.1908A>G, p.Glu636= (NM_001349370.3).
Identifiers: ClinVar variation 475498 (VCV000475498.13), dbSNP rs374447180, ClinGen allele CA2363593.
Genomic context (GRCh38, chr3:47,122,596, plus strand): 5'-ATCATCAGAAGTCATTAAAACAGCATCAGTTTTAGAAGTGCAAAATGTTGCCAAATCAGA[T>C]TCTGCCCCAGGAGATCCATTTATATTTAATTCTATGGGACAAAAACTTCTTAATTGATCA-3'
Protein context (NP_054878.5, residues 670-690): ELNINGSPGA[Glu680=]SDLATFCTSK